The following is an entry in ClinVar:

ClinVar aggregate classification (germline): Uncertain significance (1 of 4 stars; one submission).

Conditions:
Hereditary cancer-predisposing syndrome. Also called: Tumor predisposition; Neoplastic Syndromes, Hereditary; Hereditary neoplastic syndrome; Hereditary Cancer Syndrome. Identifiers: Orphanet 140162, MedGen C0027672, MeSH D009386, MONDO:0015356.

Submission:

Color Diagnostics, LLC DBA Color Health
Classification: Uncertain significance for Hereditary cancer-predisposing syndrome. Last evaluated: 2023-12-04. Review status: criteria provided, single submitter. Criteria: ACMG Guidelines, 2015. Collection method: clinical testing. Allele origin: germline.
Comment: This missense variant replaces isoleucine with valine at codon 3040 of the ATM protein. Computational prediction suggests that this variant may not impact protein structure and function (internally defined REVEL score threshold <= 0.5, PMID: 27666373). To our knowledge, functional studies have not been reported for this variant. This variant has not been reported in individuals affected with ATM-related disorders in the literature. This variant has not been identified in the general population by the Genome Aggregation Database (gnomAD). The available evidence is insufficient to determine the role of this variant in disease conclusively. Therefore, this variant is classified as a Variant of Uncertain Significance.

NM_000051.4(ATM):c.9118A>G (p.Ile3040Val)

Genes: ATM (ATM serine/threonine kinase; plus strand), C11orf65 (chromosome 11 open reading frame 65; minus strand). Cytogenetic location: 11q22.3.
Variant type: single nucleotide variant.
Coding change: c.9118A>G on transcript NM_000051.4 (MANE Select); coding-DNA position 9118, A replaced by G.
Protein change: p.Ile3040Val; replaces isoleucine 3040 with valine.
Molecular consequence: missense variant. On other transcripts: intron variant (2).
Genome position (GRCh38, 1-based): chr11:108,365,455, A>G. VCF-style: chr11-108365455-A-G. GRCh37 (hg19) VCF-style: chr11-108236182-A-G.
Other names: c.9118A>G, p.Ile3040Val (NM_001351834.2); c.640+20465T>C (NM_001330368.2); c.694+20465T>C (NM_001351110.2); short protein forms I3040V.
Identifiers: ClinVar variation 918675 (VCV000918675.5), dbSNP rs2091255041, ClinGen allele CA382532017.